The following is an entry in ClinVar:

NM_000719.7(CACNA1C):c.2427C>G (p.Ile809Met)

Gene: CACNA1C (calcium voltage-gated channel subunit alpha1 C; plus strand). Cytogenetic location: 12p13.33.
Variant type: single nucleotide variant.
Coding change: c.2427C>G on transcript NM_000719.7 (MANE Select); coding-DNA position 2427, C replaced by G.
Protein change: p.Ile809Met; replaces isoleucine 809 with methionine.
Molecular consequence: missense variant.
Genome position (GRCh38, 1-based): chr12:2,585,463, C>G. VCF-style: chr12-2585463-C-G. GRCh37 (hg19) VCF-style: chr12-2694629-C-G.
Other names: c.2427C>G, p.Ile809Met (NM_001129827.2, NM_001129829.2, NM_001129830.3 and 18 more transcripts); c.2418C>G, p.Ile806Met (NM_001129844.2); short protein forms I809M, I806M.
Identifiers: ClinVar variation 4768166 (VCV004768166.1).
Genomic context (GRCh38, chr12:2,585,463, plus strand): 5'-GTTGGTGGAGAAGCCGGCAGTGGGGGAATCCAAGGAGGAGAAGATTGAGCTGAAATCCAT[C>G]ACGGCTGACGGAGAGTCTCCACCCGCCACCAAGGTGAGGAGCTGTCTCCTTCCTGGAGCT-3'
Protein context (NP_000710.5, residues 799-819): SKEEKIELKS[Ile809Met]TADGESPPAT

ClinVar aggregate classification (germline): Uncertain significance (1 of 4 stars; one submission).

Conditions:
Long QT syndrome (LQTS). Identifiers: MedGen C0023976, MeSH D008133, MONDO:0002442. Disease mechanism: loss of function. Inheritance: Various modes of inheritance.

Submission:

Labcorp Genetics (formerly Invitae), Labcorp
Classification: Uncertain significance for Long QT syndrome. Last evaluated: 2025-05-23. Review status: criteria provided, single submitter. Criteria: Invitae Variant Classification Sherloc (09022015). Collection method: clinical testing. Allele origin: germline.
Comment: This sequence change replaces isoleucine, which is neutral and non-polar, with methionine, which is neutral and non-polar, at codon 809 of the CACNA1C protein (p.Ile809Met). This variant is not present in population databases (gnomAD no frequency). This variant has not been reported in the literature in individuals affected with CACNA1C-related conditions. Invitae Evidence Modeling of protein sequence and biophysical properties (such as structural, functional, and spatial information, amino acid conservation, physicochemical variation, residue mobility, and thermodynamic stability) indicates that this missense variant is not expected to disrupt CACNA1C protein function with a negative predictive value of 80%. In summary, the available evidence is currently insufficient to determine the role of this variant in disease. Therefore, it has been classified as a Variant of Uncertain Significance.